The following is an entry in ClinVar:

ClinVar aggregate classification (germline): Pathogenic (1 of 4 stars; one submission).

Conditions:
Duchenne muscular dystrophy (DMD). Also called: MUSCULAR DYSTROPHY, PSEUDOHYPERTROPHIC PROGRESSIVE, DUCHENNE TYPE; Duchenne Muscular Dystrophy (DMD). Identifiers: Orphanet 98896, MedGen C0013264, MONDO:0010679, OMIM 310200.

Submission:

Labcorp Genetics (formerly Invitae), Labcorp
Classification: Pathogenic for Duchenne muscular dystrophy. Last evaluated: 2023-10-20. Review status: criteria provided, single submitter. Criteria: Invitae Variant Classification Sherloc (09022015). Collection method: clinical testing. Allele origin: unknown.
Comment: This variant results in the deletion of exons 8-12 and part of exon 13 (c.649+34927_1501del) of the DMD gene. It is expected to disrupt RNA splicing. Variants that disrupt the donor or acceptor splice site typically lead to a loss of protein function (PMID: 16199547), and loss-of-function variants in DMD are known to be pathogenic (PMID: 16770791, 25007885). This variant has not been reported in the literature in individuals affected with DMD-related conditions. This variant disrupts a region of the DMD protein in which other variant(s) (p.Asp451Tyr) have been determined to be pathogenic (PMID: 22776072). This suggests that this is a clinically significant region of the protein, and that variants that disrupt it are likely to be disease-causing. For these reasons, this variant has been classified as Pathogenic.

Literature cited by the submitters: PubMed 16199547; PubMed 16770791; PubMed 25007885; PubMed 22776072.

NC_000023.10:g.(?_32613975)_(32792683_?)del

Gene: DMD (dystrophin; minus strand). Cytogenetic location: Xp21.1.
Variant type: Deletion.
Identifiers: ClinVar variation 3243649 (VCV003243649.1).